The following is an entry in ClinVar:

NM_001366385.1(CARD14):c.350-2A>G

Gene: CARD14 (caspase recruitment domain family member 14; plus strand). Cytogenetic location: 17q25.3.
Variant type: single nucleotide variant.
Coding change: c.350-2A>G on transcript NM_001366385.1 (MANE Select); the canonical splice acceptor site of the intron before coding-DNA position 350, A replaced by G.
Molecular consequence: splice acceptor variant.
Genome position (GRCh38, 1-based): chr17:80,183,911, A>G. VCF-style: chr17-80183911-A-G. GRCh37 (hg19) VCF-style: chr17-78157710-A-G.
Other names: c.350-2A>G (NM_024110.4, NM_001257970.1).
Identifiers: ClinVar variation 2010823 (VCV002010823.4), dbSNP rs2510584034, ClinGen allele CA401335489.
Genomic context (GRCh38, chr17:80,183,911, plus strand): 5'-CCCACCTGCCCACCTATTACCTCCCTACCTGCTCACTTGCTCACCTGCCCATCTGCCCAC[A>G]GGTCTCATGGAGACATCCAAGCTGACCGAGTGCCTGGCTGGGGCCATCGGCAGCCTGCAG-3'

ClinVar aggregate classification (germline): Uncertain significance (1 of 4 stars; one submission).

Conditions:
Pityriasis rubra pilaris (PRP). Also called: Pityriasis rubra pilaris--familial type. Identifiers: Orphanet 2897, MedGen C0032027, MONDO:0100017, OMIM 173200, MONDO:0008251.
Psoriasis 2. Identifiers: MedGen C1864497, MONDO:0011269, OMIM 602723.

Submission:

Labcorp Genetics (formerly Invitae), Labcorp
Classification: Uncertain significance for Pityriasis rubra pilaris; Psoriasis 2. Last evaluated: 2024-11-18. Review status: criteria provided, single submitter. Criteria: Invitae Variant Classification Sherloc (09022015). Collection method: clinical testing. Allele origin: germline.
Comment: This sequence change affects an acceptor splice site in intron 3 of the CARD14 gene. It is expected to disrupt RNA splicing. Variants that disrupt the donor or acceptor splice site typically lead to a loss of protein function (PMID: 16199547), however the current clinical and genetic evidence is not sufficient to establish whether loss-of-function variants in CARD14 cause disease. This variant is not present in population databases (gnomAD no frequency). This variant has not been reported in the literature in individuals affected with CARD14-related conditions. ClinVar contains an entry for this variant (Variation ID: 2010823). Algorithms developed to predict the effect of sequence changes on RNA splicing suggest that this variant may disrupt the consensus splice site. In summary, the available evidence is currently insufficient to determine the role of this variant in disease. Therefore, it has been classified as a Variant of Uncertain Significance.

Literature cited by the submitters: PubMed 16199547.